The following is an entry in ClinVar:

NM_001399.5(EDA):c.904T>C (p.Phe302Leu)

Gene: EDA (ectodysplasin A; plus strand). Cytogenetic location: Xq13.1.
Variant type: single nucleotide variant.
Coding change: c.904T>C on transcript NM_001399.5 (MANE Select); coding-DNA position 904, T replaced by C.
Protein change: p.Phe302Leu; replaces phenylalanine 302 with leucine.
Molecular consequence: missense variant.
Genome position (GRCh38, 1-based): chrX:70,033,508, T>C. VCF-style: chrX-70033508-T-C. GRCh37 (hg19) VCF-style: chrX-69253358-T-C.
Other names: c.904T>C, p.Phe302Leu (NM_001005609.2); c.895T>C, p.Phe299Leu (NM_001005612.3); short protein forms F299L, F302L.
Identifiers: ClinVar variation 1974869 (VCV001974869.5), dbSNP rs2520343480, ClinGen allele CA413448998.

ClinVar aggregate classification (germline): Pathogenic (1 of 4 stars; one submission).

Conditions:
Hypohidrotic X-linked ectodermal dysplasia (XHED). Also called: Ectodermal Dysplasia 1, Anhidrotic; Anhidrotic ectodermal dysplasia X-linked; Christ Siemens Touraine syndrome; ECTODERMAL DYSPLASIA 1, HYPOHIDROTIC, X-LINKED; ECTODERMAL DYSPLASIA 1, HYPOHIDROTIC/HAIR/TOOTH TYPE, X-LINKED; Christ-Siemans-Touraine syndrome. Identifiers: Orphanet 181, Orphanet 238468, MedGen C0162359, MONDO:0010585, OMIM 305100.

Submission:

Labcorp Genetics (formerly Invitae), Labcorp
Classification: Pathogenic for Hypohidrotic X-linked ectodermal dysplasia. Last evaluated: 2022-01-06. Review status: criteria provided, single submitter. Criteria: Invitae Variant Classification Sherloc (09022015). Collection method: clinical testing. Allele origin: germline.
Comment: Advanced modeling of protein sequence and biophysical properties (such as structural, functional, and spatial information, amino acid conservation, physicochemical variation, residue mobility, and thermodynamic stability) performed at Invitae indicates that this missense variant is expected to disrupt EDA protein function. This missense change has been observed in individual(s) with clinical features of hypohidrotic ectodermal dysplasia (external communication). It has also been observed to segregate with disease in related individuals. This variant is not present in population databases (gnomAD no frequency). This sequence change replaces phenylalanine, which is neutral and non-polar, with leucine, which is neutral and non-polar, at codon 302 of the EDA protein (p.Phe302Leu). This variant disrupts the p.Phe302 amino acid residue in EDA. Other variant(s) that disrupt this residue have been observed in individuals with EDA-related conditions (PMID: 11378824), which suggests that this may be a clinically significant amino acid residue. For these reasons, this variant has been classified as Pathogenic.

Literature cited by the submitters: PubMed 11378824.